The following is an entry in ClinVar:

NM_001232.4(CASQ2):c.212A>C (p.Gln71Pro)

Gene: CASQ2 (calsequestrin 2; minus strand). Cytogenetic location: 1p13.1.
Variant type: single nucleotide variant.
Coding change: c.212A>C on transcript NM_001232.4 (MANE Select); coding-DNA position 212, A replaced by C.
Protein change: p.Gln71Pro; replaces glutamine 71 with proline.
Molecular consequence: missense variant.
Genome position (GRCh38, 1-based): chr1:115,768,330, T>G on the plus strand (A>C on the coding strand, the complement: CASQ2 is on the minus strand). VCF-style: chr1-115768330-T-G. GRCh37 (hg19) VCF-style: chr1-116310951-T-G.
Other names: short protein forms Q71P.
Identifiers: ClinVar variation 3995705 (VCV003995705.2).

ClinVar aggregate classification (germline): Uncertain significance (1 of 4 stars; one submission).

Conditions:
Cardiovascular phenotype. Identifiers: MedGen CN230736.

gnomAD v4.1: 4 of 1,613,096 alleles (0.00025%); highest among the groups gnomAD compares: African/African-American, 0.0053%; no homozygotes.

Submission:

Ambry Genetics
Classification: Uncertain significance for Cardiovascular phenotype. Last evaluated: 2026-03-29. Review status: criteria provided, single submitter. Criteria: Ambry Variant Classification Scheme 2023. Collection method: clinical testing. Allele origin: germline.
Comment: The p.Q71P variant (also known as c.212A>C), located in coding exon 1 of the CASQ2 gene, results from an A to C substitution at nucleotide position 212. The glutamine at codon 71 is replaced by proline, an amino acid with similar properties. This amino acid position is conserved. In addition, the in silico prediction for this alteration is inconclusive. Based on the available evidence, the clinical significance of this variant remains unclear.